The following is an entry in ClinVar:

NM_020754.4(ARHGAP31):c.250T>C (p.Tyr84His)

Gene: ARHGAP31 (Rho GTPase activating protein 31; plus strand). Cytogenetic location: 3q13.33.
Variant type: single nucleotide variant.
Coding change: c.250T>C on transcript NM_020754.4 (MANE Select); coding-DNA position 250, T replaced by C.
Protein change: p.Tyr84His; replaces tyrosine 84 with histidine.
Molecular consequence: missense variant.
Genome position (GRCh38, 1-based): chr3:119,368,418, T>C. VCF-style: chr3-119368418-T-C. GRCh37 (hg19) VCF-style: chr3-119087265-T-C.
Other names: short protein forms Y84H.
Identifiers: ClinVar variation 1431221 (VCV001431221.8), dbSNP rs2080267866, ClinGen allele CA354349880.
Genomic context (GRCh38, chr3:119,368,418, plus strand): 5'-CTGTGTTGTTTCAGGCAAGAGTTTGGCTCAGATCAATGTCCAGATCTGACAAGGGAAGTG[T>C]ACCTCCAGGACATCCACTGTGTGGGCTCGCTTTGCAAGCTCTACTTTAGGGAGCTGCCCA-3'
Protein context (NP_065805.2, residues 74-94): DQCPDLTREV[Tyr84His]LQDIHCVGSL

ClinVar aggregate classification (germline): Uncertain significance (1 of 4 stars; one submission).

Allele frequency attached by ClinVar (database versions not stated): TOPMed below 0.00001.

Submission:

Labcorp Genetics (formerly Invitae), Labcorp
Classification: Uncertain significance. Last evaluated: 2024-10-25. Review status: criteria provided, single submitter. Criteria: Invitae Variant Classification Sherloc (09022015). Collection method: clinical testing. Allele origin: germline.
Comment: This sequence change replaces tyrosine, which is neutral and polar, with histidine, which is basic and polar, at codon 84 of the ARHGAP31 protein (p.Tyr84His). This variant is not present in population databases (gnomAD no frequency). This variant has not been reported in the literature in individuals affected with ARHGAP31-related conditions. ClinVar contains an entry for this variant (Variation ID: 1431221). An algorithm developed to predict the effect of missense changes on protein structure and function (PolyPhen-2) suggests that this variant is likely to be disruptive. In summary, the available evidence is currently insufficient to determine the role of this variant in disease. Therefore, it has been classified as a Variant of Uncertain Significance.